The following is an entry in ClinVar:

NM_001297.5(CNGB1):c.3462+8G>T

Gene: CNGB1 (cyclic nucleotide gated channel subunit beta 1; minus strand). Cytogenetic location: 16q21.
Variant type: single nucleotide variant.
Coding change: c.3462+8G>T on transcript NM_001297.5 (MANE Select); 8 bases into the intron after coding-DNA position 3462, G replaced by T.
Molecular consequence: intron variant.
Genome position (GRCh38, 1-based): chr16:57,887,847, C>A on the plus strand (G>T on the coding strand, the complement: CNGB1 is on the minus strand). VCF-style: chr16-57887847-C-A. GRCh37 (hg19) VCF-style: chr16-57921751-C-A.
Other names: c.3444+8G>T (NM_001286130.2).
Identifiers: ClinVar variation 886101 (VCV000886101.13), dbSNP rs368962905, ClinGen allele CA8082556.

ClinVar aggregate classification (germline): Conflicting classifications of pathogenicity. Review status: criteria provided, conflicting classifications (1 of 4 stars). 4 submissions from 4 submitters: Uncertain significance (1); Likely benign (3). Last evaluated 2026-01-16.

Conditions:
CNGB1-related disorder. Also called: CNGB1-related condition.
Retinitis pigmentosa (RP). Identifiers: Orphanet 791, MedGen C0035334, MeSH D012174, MONDO:0019200, OMIM 268000. Inheritance: Autosomal dominant, autosomal recessive and X linked inheritance.

Allele frequency attached by ClinVar (database versions not stated): TOPMed 0.00019; ESP Exome Variant Server 0.00025.
gnomAD v4.1: 345 of 1,613,652 alleles (0.021%); highest among the groups gnomAD compares: Non-Finnish European, 0.028%; no homozygotes.

Submissions (4):

Labcorp Genetics (formerly Invitae), Labcorp
Classification: Likely benign. Last evaluated: 2026-01-16. Review status: criteria provided, single submitter. Criteria: Invitae Variant Classification Sherloc (09022015). Collection method: clinical testing. Allele origin: germline.

PreventionGenetics, part of Exact Sciences
Classification: Likely benign for CNGB1-related condition. Last evaluated: 2025-05-27. Review status: criteria provided, single submitter. Criteria: ACMG Guidelines, 2015. Collection method: clinical testing. Allele origin: germline.
Comment: This variant is classified as likely benign based on ACMG/AMP sequence variant interpretation guidelines (Richards et al. 2015 PMID: 25741868, with internal and published modifications).

Blueprint Genetics
Classification: Likely benign. Last evaluated: 2024-07-09. Review status: criteria provided, single submitter. Criteria: ACMG Guidelines, 2015. Collection method: clinical testing. Allele origin: germline.

Illumina Laboratory Services, Illumina
Classification: Uncertain significance for Retinitis pigmentosa. Last evaluated: 2018-01-13. Review status: criteria provided, single submitter. Criteria: ICSL Variant Classification Criteria 13 December 2019. Collection method: clinical testing. Allele origin: germline.